The following is an entry in ClinVar:

ClinVar aggregate classification (germline): Conflicting classifications of pathogenicity. Review status: criteria provided, conflicting classifications (1 of 4 stars). 3 submissions from 3 submitters: Uncertain significance (1); Likely benign (1). 1 of the submissions does not count toward it. Last evaluated 2024-07-30.

Conditions:
CUL7-related disorder. Also called: CUL7-related condition.

Allele frequency attached by ClinVar (database versions not stated): ExAC 0.00002; gnomAD exomes 0.00002 and 0.00001; ESP Exome Variant Server 0.00015; gnomAD 0.00015 and 0.00017; TOPMed 0.00015.
gnomAD v4.1: 33 of 1,613,788 alleles (0.002%); highest among the groups gnomAD compares: African/African-American, 0.041%; no homozygotes.

Submissions (3):

Labcorp Genetics (formerly Invitae), Labcorp
Classification: Likely benign. Last evaluated: 2024-07-30. Review status: criteria provided, single submitter. Criteria: Invitae Variant Classification Sherloc (09022015). Collection method: clinical testing. Allele origin: germline.

Eurofins Ntd Llc (ga)
Classification: Uncertain significance. Last evaluated: 2015-11-17. Review status: criteria provided, single submitter. Criteria: EGL Classification Definitions 2015. Collection method: clinical testing. Allele origin: germline. Observed: 1 variant allele, 1 heterozygote.

PreventionGenetics, part of Exact Sciences
Classification: Likely benign for CUL7-related condition. Last evaluated: 2019-11-25. Review status: no assertion criteria provided. Collection method: clinical testing. Allele origin: germline. Not counted in ClinVar's aggregate classification.
Comment: This variant is classified as likely benign based on ACMG/AMP sequence variant interpretation guidelines (Richards et al. 2015 PMID: 25741868, with internal and published modifications).

NM_014780.5(CUL7):c.1570-8G>A

Gene: CUL7 (cullin 7; minus strand). Cytogenetic location: 6p21.1.
Variant type: single nucleotide variant.
Coding change: c.1570-8G>A on transcript NM_014780.5 (MANE Select); 8 bases into the intron before coding-DNA position 1570, G replaced by A.
Molecular consequence: intron variant.
Genome position (GRCh38, 1-based): chr6:43,049,670, C>T on the plus strand (G>A on the coding strand, the complement: CUL7 is on the minus strand). VCF-style: chr6-43049670-C-T. GRCh37 (hg19) VCF-style: chr6-43017408-C-T.
Other names: c.1666-8G>A (NM_001168370.2, NM_001374872.1); c.1570-8G>A (NM_001374874.1, NM_001374873.1, NM_014780.4).
Identifiers: ClinVar variation 284608 (VCV000284608.9), dbSNP rs372757013, ClinGen allele CA3814112.